The following is an entry in ClinVar:

ClinVar aggregate classification (germline): Uncertain significance (1 of 4 stars; one submission).

Conditions:
Familial thoracic aortic aneurysm and aortic dissection (TAAD). Also called: Thoracic aortic aneurysms and dissections. Identifiers: Orphanet 91387, MedGen C4707243, MONDO:0019625.

Submission:

Ambry Genetics
Classification: Uncertain significance for Familial thoracic aortic aneurysm and aortic dissection. Last evaluated: 2026-07-06. Review status: criteria provided, single submitter. Criteria: Ambry Variant Classification Scheme 2023. Collection method: clinical testing. Allele origin: germline.
Comment: The p.R270Q variant (also known as c.809G>A), located in coding exon 7 of the MYH11 gene, results from a G to A substitution at nucleotide position 809. The arginine at codon 270 is replaced by glutamine, an amino acid with highly similar properties. This amino acid position is conserved. In addition, this alteration is predicted to be deleterious by in silico analysis. Based on the available evidence, the clinical significance of this variant remains unclear.

NM_002474.3(MYH11):c.809G>A (p.Arg270Gln)

Gene: MYH11 (myosin heavy chain 11; minus strand). Cytogenetic location: 16p13.11.
Variant type: single nucleotide variant.
Coding change: c.809G>A on transcript NM_002474.3 (MANE Select); coding-DNA position 809, G replaced by A.
Protein change: p.Arg270Gln; replaces arginine 270 with glutamine.
Molecular consequence: missense variant.
Genome position (GRCh38, 1-based): chr16:15,776,158, C>T on the plus strand (G>A on the coding strand, the complement: MYH11 is on the minus strand). VCF-style: chr16-15776158-C-T. GRCh37 (hg19) VCF-style: chr16-15870015-C-T.
Other names: c.830G>A, p.Arg277Gln (NM_001040113.2, NM_001040114.2); c.809G>A, p.Arg270Gln (NM_022844.3); short protein forms R270Q, R277Q.
Identifiers: ClinVar variation 5025076 (VCV005025076.1).